The following is an entry in ClinVar:

NM_000212.3(ITGB3):c.1511A>G (p.Tyr504Cys)

Gene: ITGB3 (integrin subunit beta 3; plus strand). Cytogenetic location: 17q21.32.
Variant type: single nucleotide variant.
Coding change: c.1511A>G on transcript NM_000212.3 (MANE Select); coding-DNA position 1511, A replaced by G.
Protein change: p.Tyr504Cys; replaces tyrosine 504 with cysteine.
Molecular consequence: missense variant.
Genome position (GRCh38, 1-based): chr17:47,292,389, A>G. VCF-style: chr17-47292389-A-G. GRCh37 (hg19) VCF-style: chr17-45369755-A-G.
Other names: short protein forms Y504C.
Identifiers: ClinVar variation 2079291 (VCV002079291.3), dbSNP rs755999489, ClinGen allele CA8623273.

ClinVar aggregate classification (germline): Uncertain significance (1 of 4 stars; one submission).

Allele frequency attached by ClinVar (database versions not stated): gnomAD exomes 0.00001; gnomAD 0.00003; ExAC 0.00001; TOPMed 0.00002.
gnomAD v4.1: 20 of 1,613,704 alleles (0.0012%); highest among the groups gnomAD compares: Admixed American, 0.015%; no homozygotes.

Submission:

Labcorp Genetics (formerly Invitae), Labcorp
Classification: Uncertain significance. Last evaluated: 2024-07-12. Review status: criteria provided, single submitter. Criteria: Invitae Variant Classification Sherloc (09022015). Collection method: clinical testing. Allele origin: germline.
Comment: This sequence change replaces tyrosine, which is neutral and polar, with cysteine, which is neutral and slightly polar, at codon 504 of the ITGB3 protein (p.Tyr504Cys). This variant is present in population databases (rs755999489, gnomAD 0.02%). This variant has not been reported in the literature in individuals affected with ITGB3-related conditions. ClinVar contains an entry for this variant (Variation ID: 2079291). Advanced modeling of protein sequence and biophysical properties (such as structural, functional, and spatial information, amino acid conservation, physicochemical variation, residue mobility, and thermodynamic stability) performed at Invitae indicates that this missense variant is expected to disrupt ITGB3 protein function with a positive predictive value of 80%. In summary, the available evidence is currently insufficient to determine the role of this variant in disease. Therefore, it has been classified as a Variant of Uncertain Significance.